The following is an entry in ClinVar:

ClinVar aggregate classification (germline): Uncertain significance (1 of 4 stars; one submission).

Conditions:
Bethlem myopathy 1A. Also called: MYOPATHY, BENIGN CONGENITAL, WITH CONTRACTURES; Bethlem Muscular Dystrophy; Bethlem myopathy 1. Identifiers: Orphanet 610, MedGen CN029274, MONDO:0024530, OMIM 158810.

Allele frequency attached by ClinVar (database versions not stated): gnomAD exomes below 0.00001 and 0.00001; gnomAD 0.00001.
gnomAD v4.1: 8 of 1,599,724 alleles (0.0005%); highest among the groups gnomAD compares: Non-Finnish European, 0.00068%; no homozygotes.

Submission:

Labcorp Genetics (formerly Invitae), Labcorp
Classification: Uncertain significance for Bethlem myopathy 1A. Last evaluated: 2021-11-20. Review status: criteria provided, single submitter. Criteria: Invitae Variant Classification Sherloc (09022015). Collection method: clinical testing. Allele origin: germline.
Comment: In summary, the available evidence is currently insufficient to determine the role of this variant in disease. Therefore, it has been classified as a Variant of Uncertain Significance. Advanced modeling of protein sequence and biophysical properties (such as structural, functional, and spatial information, amino acid conservation, physicochemical variation, residue mobility, and thermodynamic stability) performed at Invitae indicates that this missense variant is not expected to disrupt COL6A2 protein function. This variant has not been reported in the literature in individuals affected with COL6A2-related conditions. This variant is present in population databases (no rsID available, gnomAD 0.004%). This sequence change replaces phenylalanine, which is neutral and non-polar, with serine, which is neutral and polar, at codon 914 of the COL6A2 protein (p.Phe914Ser).

NM_001849.4(COL6A2):c.2741T>C (p.Phe914Ser)

Gene: COL6A2 (collagen type VI alpha 2 chain; plus strand). Cytogenetic location: 21q22.3.
Variant type: single nucleotide variant.
Coding change: c.2741T>C on transcript NM_001849.4 (MANE Select); coding-DNA position 2741, T replaced by C.
Protein change: p.Phe914Ser; replaces phenylalanine 914 with serine.
Molecular consequence: missense variant.
Genome position (GRCh38, 1-based): chr21:46,132,233, T>C. VCF-style: chr21-46132233-T-C. GRCh37 (hg19) VCF-style: chr21-47552147-T-C.
Other names: short protein forms F914S.
Identifiers: ClinVar variation 1420727 (VCV001420727.6), dbSNP rs1337272208, ClinGen allele CA410549445.